The following is an entry in ClinVar:

ClinVar aggregate classification (germline): Uncertain significance (1 of 4 stars; one submission).

Conditions:
Hereditary cancer-predisposing syndrome. Also called: Neoplastic Syndromes, Hereditary; Tumor predisposition; Hereditary neoplastic syndrome; Hereditary Cancer Syndrome. Identifiers: Orphanet 140162, MedGen C0027672, MeSH D009386, MONDO:0015356.

Submission:

Color Diagnostics, LLC DBA Color Health
Classification: Uncertain significance for Hereditary cancer-predisposing syndrome. Last evaluated: 2023-12-04. Review status: criteria provided, single submitter. Criteria: ACMG Guidelines, 2015. Collection method: clinical testing. Allele origin: germline.
Comment: This missense variant replaces aspartic acid with glutamic acid at codon 672 of the BAP1 protein. Computational prediction suggests that this variant may not impact protein structure and function (internally defined REVEL score threshold <= 0.5, PMID: 27666373). To our knowledge, functional studies have not been reported for this variant. This variant has not been reported in individuals affected with BAP1-related disorders in the literature. This variant has not been identified in the general population by the Genome Aggregation Database (gnomAD). The available evidence is insufficient to determine the role of this variant in disease conclusively. Therefore, this variant is classified as a Variant of Uncertain Significance.

NM_004656.4(BAP1):c.2016T>A (p.Asp672Glu)

Gene: BAP1 (BRCA1 associated deubiquitinase 1; minus strand). Cytogenetic location: 3p21.1.
Variant type: single nucleotide variant.
Coding change: c.2016T>A on transcript NM_004656.4 (MANE Select); coding-DNA position 2016, T replaced by A.
Protein change: p.Asp672Glu; replaces aspartic acid 672 with glutamic acid.
Molecular consequence: missense variant.
Genome position (GRCh38, 1-based): chr3:52,402,642, A>T on the plus strand (T>A on the coding strand, the complement: BAP1 is on the minus strand). VCF-style: chr3-52402642-A-T. GRCh37 (hg19) VCF-style: chr3-52436658-A-T.
Other names: short protein forms D672E.
Identifiers: ClinVar variation 628768 (VCV000628768.5), dbSNP rs1553644629, ClinGen allele CA353096270.
Genomic context (GRCh38, chr3:52,402,642, plus strand): 5'-ACAGCAGCGCATCCCCTCACCTTCCTGAGCCAGCATGGAGATAAAGGTGCAGATGAACTC[A>T]TCGTAGTTGTGGGTCCTTCTCTGGTCATCAATCTGTAGGAGAGAAGAAGACTGAGAGCAC-3'
Protein context (NP_004647.1, residues 662-682): IDDQRRTHNY[Asp672Glu]EFICTFISML